The following is an entry in ClinVar:

NM_003781.4(B3GALNT1):c.-206T>G

Gene: B3GALNT1 (beta-1,3-N-acetylgalactosaminyltransferase 1 (Globoside blood group); minus strand). Cytogenetic location: 3q26.1.
Variant type: single nucleotide variant.
Coding change: c.-206T>G on transcript NM_003781.4 (MANE Select); 206 bases upstream of the start codon, T replaced by G.
Molecular consequence: 5 prime UTR variant. On other transcripts: missense variant (2).
Genome position (GRCh38, 1-based): chr3:161,103,503, A>C on the plus strand (T>G on the coding strand, the complement: B3GALNT1 is on the minus strand). VCF-style: chr3-161103503-A-C. GRCh37 (hg19) VCF-style: chr3-160821291-A-C.
Other names: c.-418T>G (NM_001038628.2, NM_001349140.2, NM_001349147.2 and 1 more transcripts); c.-206T>G (NM_001349130.2, NM_001349134.2, NM_001349138.2 and 9 more transcripts); c.-299T>G (NM_001349131.2, NM_001349132.2, NM_001349135.2 and 3 more transcripts); c.-304T>G (NM_001349133.2); c.-204T>G (NM_001349136.2, NM_001349157.2); c.-325T>G (NM_001349137.2, NM_001349150.2, NM_001349151.2 and 2 more transcripts); c.-230T>G (NM_001349141.2, NM_001349155.2); c.-111T>G (NM_001349142.2, NM_001349158.2, NM_033168.3); and 2 more; short protein forms D12E.
Identifiers: ClinVar variation 3051165 (VCV003051165.2), dbSNP rs774378292, ClinGen allele CA2688310.

ClinVar aggregate classification (germline): Likely benign (0 of 4 stars; one submission).

Conditions:
B3GALNT1-related disorder. Also called: B3GALNT1-related condition.

Allele frequency attached by ClinVar (database versions not stated): gnomAD exomes 0.00010; ExAC 0.00018; 1000 Genomes Project 30x 0.00031; gnomAD 0.00087; TOPMed 0.00099.
gnomAD v4.1: 241 of 1,274,478 alleles (0.019%); highest among the groups gnomAD compares: African/African-American, 0.36%; 2 homozygotes.

Submission:

PreventionGenetics, part of Exact Sciences
Classification: Likely benign for B3GALNT1-related condition. Last evaluated: 2022-02-10. Review status: no assertion criteria provided. Collection method: clinical testing. Allele origin: germline.
Comment: This variant is classified as likely benign based on ACMG/AMP sequence variant interpretation guidelines (Richards et al. 2015 PMID: 25741868, with internal and published modifications).